The following is an entry in ClinVar:

ClinVar aggregate classification (germline): Conflicting classifications of pathogenicity. Review status: criteria provided, conflicting classifications (1 of 4 stars). 4 submissions from 4 submitters: Uncertain significance (2); Benign (1); Likely benign (1). Last evaluated 2026-04-23.

Conditions:
Epilepsy, idiopathic generalized, susceptibility to, 13. Also called: EPILEPSY, JUVENILE MYOCLONIC, SUSCEPTIBILITY TO, 5. Identifiers: Orphanet 307, Orphanet 64280, MedGen C4013473, MONDO:0012627, OMIM 611136.
Idiopathic generalized epilepsy. Also called: EIG; Generalised epilepsy. Identifiers: MedGen C0270850, MONDO:0005579, OMIM 600669.
Epilepsy, childhood absence 4 (ECA4). Also called: EPILEPSY, CHILDHOOD ABSENCE, SUSCEPTIBILITY TO, 4. Identifiers: Orphanet 307, MedGen C1970160.
Inborn genetic diseases. Identifiers: MedGen C0950123, MeSH D030342.

Allele frequency attached by ClinVar (database versions not stated): ESP Exome Variant Server 0.00015; TOPMed 0.00019.
gnomAD v4.1: 25 of 1,614,040 alleles (0.0015%); highest among the groups gnomAD compares: African/African-American, 0.032%; no homozygotes.

Submissions (4):

Ambry Genetics
Classification: Likely benign for Inborn genetic diseases. Last evaluated: 2026-04-23. Review status: criteria provided, single submitter. Criteria: Ambry Variant Classification Scheme 2023. Collection method: clinical testing. Allele origin: germline.

Labcorp Genetics (formerly Invitae), Labcorp
Classification: Benign for Epilepsy, childhood absence 4; Epilepsy, idiopathic generalized, susceptibility to, 13; Idiopathic generalized epilepsy. Last evaluated: 2025-09-27. Review status: criteria provided, single submitter. Criteria: Invitae Variant Classification Sherloc (09022015). Collection method: clinical testing. Allele origin: germline.

Eurofins Ntd Llc (ga)
Classification: Uncertain significance. Last evaluated: 2016-12-28. Review status: criteria provided, single submitter. Criteria: EGL Classification Definitions 2015. Collection method: clinical testing. Allele origin: germline. Observed: 1 variant allele, 1 heterozygote.

GeneDx
Classification: Uncertain significance. Last evaluated: 2016-08-10. Review status: criteria provided, single submitter. Criteria: GeneDx Variant Classification (06012015). Collection method: clinical testing. Allele origin: germline. Affected: yes.
Comment: A variant of uncertain significance has been identified in the GABRA1 gene. The P409S variant has not been published as a pathogenic variant, nor has it been reported as a benign variant to our knowledge. The P409S variant was not observed with any significant frequency in approximately 6,500 individuals of European and African American ancestry in the NHLBI Exome Sequencing Project. The P409S variant is a non-conservative amino acid substitution, which is likely to impact secondary protein structure as these residues differ in polarity, charge, size and/or other properties. This substitution occurs at a position that is conserved in mammals; however, Serine is observed at this position in evolution. In silico analysis is inconsistent in its predictions as to whether or not the variant is damaging to the protein structure/function. Therefore, based on the currently available information, it is unclear whether this variant is a pathogenic variant or a rare benign variant.

NM_001127644.2(GABRA1):c.1225C>T (p.Pro409Ser)

Gene: GABRA1 (gamma-aminobutyric acid type A receptor subunit alpha1; plus strand). Cytogenetic location: 5q34.
Variant type: single nucleotide variant.
Coding change: c.1225C>T on transcript NM_001127644.2 (MANE Select); coding-DNA position 1225, C replaced by T.
Protein change: p.Pro409Ser; replaces proline 409 with serine.
Molecular consequence: missense variant.
Genome position (GRCh38, 1-based): chr5:161,897,276, C>T. VCF-style: chr5-161897276-C-T. GRCh37 (hg19) VCF-style: chr5-161324282-C-T.
Other names: c.1225C>T, p.Pro409Ser (NM_000806.5, NM_001127643.2, NM_001127645.2 and 1 more transcripts); short protein forms P409S.
Identifiers: ClinVar variation 265163 (VCV000265163.19), dbSNP rs139793542, ClinGen allele CA3544600.